The following is an entry in ClinVar:

NM_006363.6(SEC23B):c.650G>A (p.Arg217Gln)

Genes: SEC23B (SEC23 homolog B, COPII component; plus strand), LOC126862987 (MED14-independent group 3 enhancer GRCh37_chr20:18504796-18505995; plus strand). Cytogenetic location: 20p11.23.
Variant type: single nucleotide variant.
Coding change: c.650G>A on transcript NM_006363.6 (MANE Select); coding-DNA position 650, G replaced by A.
Protein change: p.Arg217Gln; replaces arginine 217 with glutamine.
Molecular consequence: missense variant.
Genome position (GRCh38, 1-based): chr20:18,524,981, G>A. VCF-style: chr20-18524981-G-A. GRCh37 (hg19) VCF-style: chr20-18505625-G-A.
Other names: c.650G>A, p.Arg217Gln (NM_001172745.3, NM_032985.6, NM_032986.5); c.596G>A, p.Arg199Gln (NM_001172746.3); short protein forms R217Q, R199Q.
Identifiers: ClinVar variation 4630410 (VCV004630410.2).

ClinVar aggregate classification (germline): Uncertain significance. Review status: criteria provided, multiple submitters, no conflicts (2 of 4 stars). 2 submissions from 2 submitters: Uncertain significance (2). Last evaluated 2025-11-24.

Conditions:
Inborn genetic diseases. Identifiers: MedGen C0950123, MeSH D030342.
Congenital dyserythropoietic anemia, type II (CDAN2). Also called: DYSERYTHROPOIETIC ANEMIA, HEMPAS TYPE. Identifiers: Orphanet 98873, MedGen C1306589, MONDO:0009134, OMIM 224100.
Cowden syndrome 7 (CWS7). Identifiers: Orphanet 201, MedGen C4225179, MONDO:0014802, OMIM 616858.

gnomAD v4.1: 6 of 1,613,922 alleles (0.00037%); highest among the groups gnomAD compares: African/African-American, 0.0027%; no homozygotes.

Submissions (2):

Ambry Genetics
Classification: Uncertain significance for Inborn genetic diseases. Last evaluated: 2025-11-24. Review status: criteria provided, single submitter. Criteria: Ambry Variant Classification Scheme 2023. Collection method: clinical testing. Allele origin: germline.

Labcorp Genetics (formerly Invitae), Labcorp
Classification: Uncertain significance for Congenital dyserythropoietic anemia, type II; Cowden syndrome 7. Last evaluated: 2025-02-25. Review status: criteria provided, single submitter. Criteria: Invitae Variant Classification Sherloc (09022015). Collection method: clinical testing. Allele origin: germline.
Comment: This sequence change replaces arginine, which is basic and polar, with glutamine, which is neutral and polar, at codon 217 of the SEC23B protein (p.Arg217Gln). This variant is present in population databases (rs746057154, gnomAD 0.007%). This variant has not been reported in the literature in individuals affected with SEC23B-related conditions. Invitae Evidence Modeling of protein sequence and biophysical properties (such as structural, functional, and spatial information, amino acid conservation, physicochemical variation, residue mobility, and thermodynamic stability) indicates that this missense variant is not expected to disrupt SEC23B protein function with a negative predictive value of 95%. In summary, the available evidence is currently insufficient to determine the role of this variant in disease. Therefore, it has been classified as a Variant of Uncertain Significance.